The following is an entry in ClinVar:

ClinVar aggregate classification (germline): Uncertain significance (1 of 4 stars; one submission).

Conditions:
Hereditary cancer-predisposing syndrome. Also called: Neoplastic Syndromes, Hereditary; Tumor predisposition; Hereditary Cancer Syndrome; Hereditary neoplastic syndrome. Identifiers: Orphanet 140162, MedGen C0027672, MeSH D009386, MONDO:0015356.

Submission:

Ambry Genetics
Classification: Uncertain significance for Hereditary cancer-predisposing syndrome. Last evaluated: 2026-03-25. Review status: criteria provided, single submitter. Criteria: Ambry Variant Classification Scheme 2023. Collection method: clinical testing. Allele origin: germline.
Comment: The p.W60L variant (also known as c.179G>T), located in coding exon 1 of the CDKN1B gene, results from a G to T substitution at nucleotide position 179. The tryptophan at codon 60 is replaced by leucine, an amino acid with similar properties. This amino acid position is conserved. In addition, this alteration is predicted to be deleterious by in silico analysis. Based on the available evidence, the clinical significance of this variant remains unclear.

NM_004064.5(CDKN1B):c.179G>T (p.Trp60Leu)

Gene: CDKN1B (cyclin dependent kinase inhibitor 1B; plus strand). Cytogenetic location: 12p13.1.
Variant type: single nucleotide variant.
Coding change: c.179G>T on transcript NM_004064.5 (MANE Select); coding-DNA position 179, G replaced by T.
Protein change: p.Trp60Leu; replaces tryptophan 60 with leucine.
Molecular consequence: missense variant.
Genome position (GRCh38, 1-based): chr12:12,718,018, G>T. VCF-style: chr12-12718018-G-T. GRCh37 (hg19) VCF-style: chr12-12870952-G-T.
Other names: short protein forms W60L.
Identifiers: ClinVar variation 4868620 (VCV004868620.1).
Genomic context (GRCh38, chr12:12,718,018, plus strand): 5'-AGTTAACCCGGGACTTGGAGAAGCACTGCAGAGACATGGAAGAGGCGAGCCAGCGCAAGT[G>T]GAATTTCGATTTTCAGAATCACAAACCCCTAGAGGGCAAGTACGAGTGGCAAGAGGTGGA-3'
Protein context (NP_004055.1, residues 50-70): RDMEEASQRK[Trp60Leu]NFDFQNHKPL